The following is an entry in ClinVar:

ClinVar aggregate classification (germline): Pathogenic (1 of 4 stars; one submission).

Conditions:
Primary ciliary dyskinesia 3. Identifiers: Orphanet 244, MedGen C1837618, MONDO:0012085, OMIM 608644.

Submission:

Myriad Genetics, Inc.
Classification: Pathogenic for Primary ciliary dyskinesia 3. Last evaluated: 2024-05-14. Review status: criteria provided, single submitter. Criteria: Myriad Autosomal Dominant, Autosomal Recessive and X-Linked Classification Criteria (2023). Collection method: clinical testing. Allele origin: unknown.
Comment: NM_001369.2(DNAH5):c.5647_5648del2ins6(V1884Dfs*19) is expected to be pathogenic in the context of primary ciliary dyskinesia, DNAH5-related. This variant is predicted to lead to an abnormal or absent protein product due to the creation of a premature termination codon in DNAH5, a gene where loss-of-function variants are known to be pathogenic. Please note: this variant was assessed in the context of healthy population screening.

NM_001369.3(DNAH5):c.5647_5648delinsAGAGAC (p.Val1884fs)

Gene: DNAH5 (dynein axonemal heavy chain 5; minus strand). Cytogenetic location: 5p15.2.
Variant type: Indel.
Coding change: c.5647_5648delinsAGAGAC on transcript NM_001369.3 (MANE Select); coding-DNA positions 5647 to 5648, CG replaced by AGAGAC.
Protein change: p.Val1884fs; shifts the reading frame from valine 1884.
Molecular consequence: frameshift variant.
Genome position (GRCh38, 1-based): chr5:13,840,967-13,840,968, CG replaced by GTCTCT on the plus strand (CG replaced by AGAGAC on the coding strand, the reverse complement: DNAH5 is on the minus strand). VCF-style: chr5-13840967-CG-GTCTCT. GRCh37 (hg19) VCF-style: chr5-13841076-CG-GTCTCT.
Other names: short protein forms V1884fs.
Identifiers: ClinVar variation 5011106 (VCV005011106.1).